The following is an entry in ClinVar:

ClinVar aggregate classification (germline): Conflicting classifications of pathogenicity. Review status: criteria provided, conflicting classifications (1 of 4 stars). 5 submissions from 5 submitters: Uncertain significance (2); Benign (1); Likely benign (1). 1 of the submissions does not count toward it. Last evaluated 2026-01-17.

Conditions:
SPEG-related disorder. Also called: SPEG-related condition.

Allele frequency attached by ClinVar (database versions not stated): 1000 Genomes Project 30x 0.00016; 1000 Genomes Project 0.00020; ESP Exome Variant Server 0.00064; gnomAD exomes 0.00102 and 0.00144; ExAC 0.00129.
gnomAD v4.1: 2,258 of 1,612,436 alleles (0.14%); highest among the groups gnomAD compares: Non-Finnish European, 0.17%; 3 homozygotes.

Submissions (5):

Labcorp Genetics (formerly Invitae), Labcorp
Classification: Likely benign. Last evaluated: 2026-01-17. Review status: criteria provided, single submitter. Criteria: Invitae Variant Classification Sherloc (09022015). Collection method: clinical testing. Allele origin: germline.

Mayo Clinic Laboratories, Mayo Clinic
Classification: Uncertain significance. Last evaluated: 2025-10-21. Review status: criteria provided, single submitter. Criteria: ACMG Guidelines, 2015. Collection method: clinical testing. Allele origin: germline. Observed: 3 variant alleles.
Comment: BS1

CeGaT Center for Human Genetics Tuebingen
Classification: Benign. Last evaluated: 2025-09-01. Review status: criteria provided, single submitter. Criteria: CeGaT Center For Human Genetics Tuebingen Variant Classification Criteria Version 2. Collection method: clinical testing. Allele origin: germline. Affected: yes. Observed: 2 variant alleles.
Comment: SPEG: BS1, BS2

GeneDx
Classification: Uncertain significance. Last evaluated: 2023-03-30. Review status: criteria provided, single submitter. Criteria: GeneDx Variant Classification Process June 2021. Collection method: clinical testing. Allele origin: germline. Affected: yes.
Comment: In silico analysis supports that this missense variant has a deleterious effect on protein structure/function, and may impact gene splicing. In the absence of RNA/functional studies, the actual effect of this sequence change is unknown.; In silico analysis suggests this variant may impact gene splicing. In the absence of RNA/functional studies, the actual effect of this sequence change is unknown.; Has not been previously published as pathogenic or benign to our knowledge

PreventionGenetics, part of Exact Sciences
Classification: Likely benign for SPEG-related condition. Last evaluated: 2022-08-25. Review status: no assertion criteria provided. Collection method: clinical testing. Allele origin: germline. Not counted in ClinVar's aggregate classification.
Comment: This variant is classified as likely benign based on ACMG/AMP sequence variant interpretation guidelines (Richards et al. 2015 PMID: 25741868, with internal and published modifications).

NM_005876.5(SPEG):c.3969G>T (p.Gln1323His)

Gene: SPEG (striated muscle enriched protein kinase; plus strand). Cytogenetic location: 2q35.
Variant type: single nucleotide variant.
Coding change: c.3969G>T on transcript NM_005876.5 (MANE Select); coding-DNA position 3969, G replaced by T.
Protein change: p.Gln1323His; replaces glutamine 1323 with histidine.
Molecular consequence: missense variant.
Genome position (GRCh38, 1-based): chr2:219,472,918, G>T. VCF-style: chr2-219472918-G-T. GRCh37 (hg19) VCF-style: chr2-220337640-G-T.
Other names: short protein forms Q1323H.
Identifiers: ClinVar variation 1162954 (VCV001162954.49), dbSNP rs55876679, ClinGen allele CA2126363.
Genomic context (GRCh38, chr2:219,472,918, plus strand): 5'-ACAGCAGCCTCTAGTAGCTCCTCTCCCGCCAGACCCGGACTCCCTGACGTACACAGTGCA[G>T]CACCAGGTGCTGGGCTCGGACCAGTGGACGGCACTGGTCACAGGCCTGCGGGAGCCAGGG-3'
Protein context (NP_005867.3, residues 1313-1333): IDPDSLTYTV[Gln1323His]HQVLGSDQWT